The following is an entry in ClinVar:

NM_006623.4(PHGDH):c.488G>A (p.Arg163Gln)

Gene: PHGDH (phosphoglycerate dehydrogenase; plus strand). Cytogenetic location: 1p12.
Variant type: single nucleotide variant.
Coding change: c.488G>A on transcript NM_006623.4 (MANE Select); coding-DNA position 488, G replaced by A.
Protein change: p.Arg163Gln; replaces arginine 163 with glutamine.
Molecular consequence: missense variant.
Genome position (GRCh38, 1-based): chr1:119,727,080, G>A. VCF-style: chr1-119727080-G-A. GRCh37 (hg19) VCF-style: chr1-120269703-G-A.
Other names: short protein forms R163Q.
Identifiers: ClinVar variation 139535 (VCV000139535.13), dbSNP rs587777483, ClinGen allele CA163242.

ClinVar aggregate classification (germline): Conflicting classifications of pathogenicity. Review status: criteria provided, conflicting classifications (1 of 4 stars). 8 submissions from 8 submitters: Pathogenic (1); Likely pathogenic (4); Uncertain significance (1). 2 of the submissions do not count toward it. Last evaluated 2026-01-27.

Conditions:
Autosomal recessive PHGDH-related disorders.
Neu-Laxova syndrome 1 (NLS1). Identifiers: Orphanet 2671, Orphanet 583607, MedGen C4551478, MONDO:0009736, OMIM 256520. Disease mechanism: loss of function.
PHGDH deficiency. Identifiers: Orphanet 79351, MedGen C1866174, MONDO:0011152, OMIM 601815.

Allele frequency attached by ClinVar (database versions not stated): gnomAD exomes below 0.00001; TOPMed below 0.00001; ExAC 0.00001.

Submissions (8):

Natera, Inc.
Classification: Likely pathogenic for Phosphoglycerate dehydrogenase deficiency. Last evaluated: 2026-01-27. Review status: criteria provided, single submitter. Criteria: Natera Variant Classification Schema (03/2026). Collection method: clinical testing. Allele origin: germline.
Comment: The c.488G>A variant in PHGDH is a missense variant predicted to cause substitution of arginine to glutamine at amino acid 163. This variant is rare in the general population with a frequency below the threshold expected for the associated phenotype(s). This variant has been observed in one or more individuals affected with the associated recessive disease, as either homozygous or compound heterozygous with a second variant (PMID: 38807256, 37758168). This variant has been identified in one or more affected individuals with a phenotype highly consistent with the associated gene (PMID: 38807256, 37758168). Computational prediction algorithms indicate this variant is likely to affect gene or protein function. Given the available evidence, this variant is classified as Likely Pathogenic.

GeneDx
Classification: Pathogenic. Last evaluated: 2025-12-26. Review status: criteria provided, single submitter. Criteria: GeneDx Variant Classification Process June 2021. Collection method: clinical testing. Allele origin: germline. Affected: yes.
Comment: Published functional studies demonstrate a damaging effect resulting in a significant reduction of enzyme catalytic activity (PMID: 33753166); Not observed at significant frequency in large population cohorts (gnomAD); In silico analysis supports that this missense variant has a deleterious effect on protein structure/function; This variant is associated with the following publications: (PMID: 34645488, 34426522, 27475004, 15175111, 32516863, 24836451, 30214071, 26960553, 21981974, 32594192, 32579715, 37644014, 36554045, 33753166, 37758168)

Variantyx, Inc.
Classification: Likely pathogenic for Autosomal recessive PHGDH-related disorders. Last evaluated: 2025-07-27. Review status: criteria provided, single submitter. Criteria: Variantyx Assertion Criteria 2022. Collection method: clinical testing. Allele origin: germline. Inheritance: Autosomal recessive inheritance.
Comment: This is a nonsynonymous variant in the PHGDH gene (OMIM: 606879). Pathogenic variants in this gene have been associated with autosomal recessive PHGDH-related disorders. Functional studies have shown that this variant alters PHGDH protein function (PMID: 33753166) (PS3_Moderate), and multiple computational algorithms predict a deleterious effect for this variant (REVEL score: 0.968) (PP3_Moderate). This variant has a 0.0022% maximum allele frequency in non-founder control populations (PM2_Supporting). Based on the current evidence, this variant is classified as likely pathogenic for autosomal recessive PHGDH-related disorders.

Fulgent Genetics
Classification: Likely pathogenic for Neu-Laxova syndrome 1; PHGDH deficiency. Last evaluated: 2024-05-23. Review status: criteria provided, single submitter. Criteria: ACMG Guidelines, 2015. Collection method: clinical testing. Allele origin: germline.

Genomic Medicine Center of Excellence, King Faisal Specialist Hospital and Research Centre
Classification: Uncertain significance for Phosphoglycerate dehydrogenase deficiency. Last evaluated: 2024-03-14. Review status: criteria provided, single submitter. Criteria: ACMG Guidelines, 2015. Collection method: clinical testing. Allele origin: germline.

Revvity Omics, Revvity
Classification: Likely pathogenic. Last evaluated: 2023-06-21. Review status: criteria provided, single submitter. Criteria: ACMG Guidelines, 2015. Collection method: clinical testing. Allele origin: germline.

Counsyl
Classification: Uncertain significance for Neu-Laxova syndrome 1; PHGDH deficiency. Last evaluated: 2018-06-06. Review status: no assertion criteria provided. Collection method: clinical testing. Allele origin: unknown. Not counted in ClinVar's aggregate classification.

OMIM
Classification: Pathogenic for NEU-LAXOVA SYNDROME 1. Last evaluated: 2014-06-05. Review status: no assertion criteria provided. Collection method: literature only. Allele origin: germline. Not counted in ClinVar's aggregate classification.

Literature cited by the submitters: PubMed 38807256 (cited by Natera, Inc.); PubMed 37758168 (cited by Natera, Inc.); PubMed 24836451 (cited by 3 submitters); PubMed 33753166 (cited by Variantyx, Inc.).